The following is an entry in ClinVar:

NM_133642.5(LARGE1):c.1487A>G (p.Glu496Gly)

Gene: LARGE1 (LARGE xylosyl- and glucuronyltransferase 1; minus strand). Cytogenetic location: 22q12.3.
Variant type: single nucleotide variant.
Coding change: c.1487A>G on transcript NM_133642.5 (MANE Select); coding-DNA position 1487, A replaced by G.
Protein change: p.Glu496Gly; replaces glutamic acid 496 with glycine.
Molecular consequence: missense variant.
Genome position (GRCh38, 1-based): chr22:33,304,472, T>C on the plus strand (A>G on the coding strand, the complement: LARGE1 is on the minus strand). VCF-style: chr22-33304472-T-C. GRCh37 (hg19) VCF-style: chr22-33700458-T-C.
Other names: c.1487A>G, p.Glu496Gly (NM_001362949.2, NM_001362951.2, NM_001362953.2 and 6 more transcripts); c.1331A>G, p.Glu444Gly (NM_001378629.1); c.884A>G, p.Glu295Gly (NM_001378630.1); c.728A>G, p.Glu243Gly (NM_001378631.1); short protein forms E243G, E444G, E295G, E496G.
Identifiers: ClinVar variation 2111128 (VCV002111128.1), dbSNP rs979365377, ClinGen allele CA323711560.
Genomic context (GRCh38, chr22:33,304,472, plus strand): 5'-TAGCGGAGGAACTGCTGGGCCTCGGCGTCTGACAGGTAGAGGGCCAGGCTGATGGGCCCC[T>C]CCCAGTGCTTGCAGATGGCCTCCAGCATCTGGAGCCTGGAAGAGACAGGGAGGGTGAGCC-3'
Protein context (NP_598397.1, residues 486-506): QMLEAICKHW[Glu496Gly]GPISLALYLS

ClinVar aggregate classification (germline): Uncertain significance (1 of 4 stars; one submission).

Conditions:
Muscular dystrophy-dystroglycanopathy type B6 (MDDGB6). Also called: MUSCULAR DYSTROPHY-DYSTROGLYCANOPATHY (CONGENITAL WITH IMPAIRED INTELLECTUAL DEVELOPMENT), TYPE B, 6; MUSCULAR DYSTROPHY, CONGENITAL, LARGE-RELATED; MUSCULAR DYSTROPHY, CONGENITAL, TYPE 1D. Identifiers: MedGen C1837229, MONDO:0012138, OMIM 608840.

Allele frequency attached by ClinVar (database versions not stated): TOPMed 0.00001.

Submission:

Labcorp Genetics (formerly Invitae), Labcorp
Classification: Uncertain significance for Muscular dystrophy-dystroglycanopathy type B6. Last evaluated: 2022-03-25. Review status: criteria provided, single submitter. Criteria: Invitae Variant Classification Sherloc (09022015). Collection method: clinical testing. Allele origin: germline.
Comment: This sequence change replaces glutamic acid, which is acidic and polar, with glycine, which is neutral and non-polar, at codon 496 of the LARGE1 protein (p.Glu496Gly). This variant is not present in population databases (gnomAD no frequency). This variant has not been reported in the literature in individuals affected with LARGE1-related conditions. Algorithms developed to predict the effect of missense changes on protein structure and function (SIFT, PolyPhen-2, Align-GVGD) all suggest that this variant is likely to be tolerated. In summary, the available evidence is currently insufficient to determine the role of this variant in disease. Therefore, it has been classified as a Variant of Uncertain Significance.